The following is an entry in ClinVar:

ClinVar aggregate classification (germline): Uncertain significance (1 of 4 stars; one submission).

Submission:

Labcorp Genetics (formerly Invitae), Labcorp
Classification: Uncertain significance. Last evaluated: 2022-11-23. Review status: criteria provided, single submitter. Criteria: Invitae Variant Classification Sherloc (09022015). Collection method: clinical testing. Allele origin: germline.
Comment: In summary, the available evidence is currently insufficient to determine the role of this variant in disease. Therefore, it has been classified as a Variant of Uncertain Significance. This variant has not been reported in the literature in individuals affected with GNRH1-related conditions. A copy number gain of the genomic region encompassing the full coding sequence of the GNRH1 gene has been identified. The boundaries of this event are unknown as they extend beyond the assayed region for this gene and therefore may encompass additional genes. As the precise location of this event is unknown, it may be in tandem or it may be located elsewhere in the genome.

NC_000008.10:g.(?_24810323)_(25892142_?)dup

Genes: CDCA2 (cell division cycle associated 2; plus strand), DOCK5 (dedicator of cytokinesis 5; plus strand), EBF2 (EBF transcription factor 2; minus strand), GNRH1 (gonadotropin releasing hormone 1; minus strand), KCTD9 (potassium channel tetramerization domain containing 9; minus strand) and 1 more. Cytogenetic location: 8p21.2.
Variant type: Duplication.
Identifiers: ClinVar variation 2423411 (VCV002423411.4).